The following is an entry in ClinVar:

NC_000015.10:g.84817271G>A

Gene: ALPK3 (alpha kinase 3; plus strand). Cytogenetic location: 15q25.3.
Variant type: single nucleotide variant.
Genome position: GRCh38 VCF-style: chr15-84817271-G-A. GRCh37 (hg19) VCF-style: chr15-85360502-G-A.
Identifiers: ClinVar variation 2117798 (VCV002117798.4), dbSNP rs1963369650, ClinGen allele CA393368883.

ClinVar aggregate classification (germline): Uncertain significance (1 of 4 stars; one submission).

Submission:

Labcorp Genetics (formerly Invitae), Labcorp
Classification: Uncertain significance. Last evaluated: 2025-07-21. Review status: criteria provided, single submitter. Criteria: Invitae Variant Classification Sherloc (09022015). Collection method: clinical testing. Allele origin: germline.
Comment: This sequence change replaces glycine, which is neutral and non-polar, with aspartic acid, which is acidic and polar, at codon 142 of the ALPK3 protein (p.Gly142Asp). This variant is not present in population databases (gnomAD no frequency). This variant has not been reported in the literature in individuals affected with ALPK3-related conditions. ClinVar contains an entry for this variant (Variation ID: 2117798). An algorithm developed to predict the effect of missense changes on protein structure and function outputs the following: PolyPhen-2: "Probably Damaging". The aspartic acid amino acid residue is found in multiple mammalian species, which suggests that this missense change does not adversely affect protein function. In summary, the available evidence is currently insufficient to determine the role of this variant in disease. Therefore, it has been classified as a Variant of Uncertain Significance.